The following is an entry in ClinVar:

NM_003748.4(ALDH4A1):c.1070C>T (p.Pro357Leu)

Gene: ALDH4A1 (aldehyde dehydrogenase 4 family member A1; minus strand). Cytogenetic location: 1p36.13.
Variant type: single nucleotide variant.
Coding change: c.1070C>T on transcript NM_003748.4 (MANE Select); coding-DNA position 1070, C replaced by T.
Protein change: p.Pro357Leu; replaces proline 357 with leucine.
Molecular consequence: missense variant.
Genome position (GRCh38, 1-based): chr1:18,877,483, G>A on the plus strand (C>T on the coding strand, the complement: ALDH4A1 is on the minus strand). VCF-style: chr1-18877483-G-A. GRCh37 (hg19) VCF-style: chr1-19203977-G-A.
Other names: c.890C>T, p.Pro297Leu (NM_001161504.2); c.1070C>T, p.Pro357Leu (NM_001319218.2, NM_170726.3); short protein forms P297L, P357L.
Identifiers: ClinVar variation 864359 (VCV000864359.10), dbSNP rs758300845, ClinGen allele CA647086.

ClinVar aggregate classification (germline): Uncertain significance (1 of 4 stars; one submission).

Conditions:
Hyperprolinemia type 2 (HYRPRO2). Also called: Delta-1-pyrroline-5-carboxylate dehydrogenase deficiency; Deficiency of pyrroline-5-carboxylate reductase; 1-PYRROLINE-5-CARBOXYLATE DEHYDROGENASE DEFICIENCY. Identifiers: Orphanet 79101, MedGen C2931835, MONDO:0009401, OMIM 239510.

Allele frequency attached by ClinVar (database versions not stated): TOPMed below 0.00001; ExAC 0.00002.
gnomAD v4.1: 9 of 1,601,030 alleles (0.00056%); highest among the groups gnomAD compares: Admixed American, 0.0017%; no homozygotes.

Submission:

Labcorp Genetics (formerly Invitae), Labcorp
Classification: Uncertain significance for Hyperprolinemia type 2. Last evaluated: 2022-07-12. Review status: criteria provided, single submitter. Criteria: Invitae Variant Classification Sherloc (09022015). Collection method: clinical testing. Allele origin: germline.
Comment: This sequence change replaces proline, which is neutral and non-polar, with leucine, which is neutral and non-polar, at codon 357 of the ALDH4A1 protein (p.Pro357Leu). The frequency data for this variant in the population databases is considered unreliable, as metrics indicate poor data quality at this position in the gnomAD database. This variant has not been reported in the literature in individuals affected with ALDH4A1-related conditions. ClinVar contains an entry for this variant (Variation ID: 864359). Algorithms developed to predict the effect of missense changes on protein structure and function are either unavailable or do not agree on the potential impact of this missense change (SIFT: "Deleterious"; PolyPhen-2: "Probably Damaging"; Align-GVGD: "Class C0"). In summary, the available evidence is currently insufficient to determine the role of this variant in disease. Therefore, it has been classified as a Variant of Uncertain Significance.